The following is an entry in ClinVar:

NM_030773.4(TUBB1):c.591T>A (p.Asp197Glu)

Gene: TUBB1 (tubulin beta 1 class VI; plus strand). Cytogenetic location: 20q13.32.
Variant type: single nucleotide variant.
Coding change: c.591T>A on transcript NM_030773.4 (MANE Select); coding-DNA position 591, T replaced by A.
Protein change: p.Asp197Glu; replaces aspartic acid 197 with glutamic acid.
Molecular consequence: missense variant.
Genome position (GRCh38, 1-based): chr20:59,024,018, T>A. VCF-style: chr20-59024018-T-A. GRCh37 (hg19) VCF-style: chr20-57599073-T-A.
Other names: short protein forms D197E.
Identifiers: ClinVar variation 1973076 (VCV001973076.6), dbSNP rs200469276, ClinGen allele CA316329074.

ClinVar aggregate classification (germline): Uncertain significance. Review status: criteria provided, multiple submitters, no conflicts (2 of 4 stars). 2 submissions from 2 submitters: Uncertain significance (2). Last evaluated 2023-04-27.

Conditions:
TUBB1-related disorder. Also called: TUBB1-related condition.

Allele frequency attached by ClinVar (database versions not stated): gnomAD exomes below 0.00001.
gnomAD v4.1: 2 of 1,614,214 alleles (0.00012%); highest among the groups gnomAD compares: Admixed American, 0.0017%; no homozygotes.

Submissions (2):

PreventionGenetics, part of Exact Sciences
Classification: Uncertain significance for TUBB1-related condition. Last evaluated: 2023-04-27. Review status: criteria provided, single submitter. Criteria: ACMG Guidelines, 2015. Collection method: clinical testing. Allele origin: germline.
Comment: The TUBB1 c.591T>A variant is predicted to result in the amino acid substitution p.Asp197Glu. To our knowledge, this variant has not been reported in the literature or in a large population database, indicating this variant is rare. At this time, the clinical significance of this variant is uncertain due to the absence of conclusive functional and genetic evidence.

Labcorp Genetics (formerly Invitae), Labcorp
Classification: Uncertain significance. Last evaluated: 2022-09-27. Review status: criteria provided, single submitter. Criteria: Invitae Variant Classification Sherloc (09022015). Collection method: clinical testing. Allele origin: germline.
Comment: In summary, the available evidence is currently insufficient to determine the role of this variant in disease. Therefore, it has been classified as a Variant of Uncertain Significance. Advanced modeling of protein sequence and biophysical properties (such as structural, functional, and spatial information, amino acid conservation, physicochemical variation, residue mobility, and thermodynamic stability) performed at Invitae indicates that this missense variant is not expected to disrupt TUBB1 protein function. This sequence change replaces aspartic acid, which is acidic and polar, with glutamic acid, which is acidic and polar, at codon 197 of the TUBB1 protein (p.Asp197Glu). This variant is not present in population databases (gnomAD no frequency). This variant has not been reported in the literature in individuals affected with TUBB1-related conditions.